The following is an entry in ClinVar:

NM_030973.4(MED25):c.1148_1165dup (p.Gln383_Ala388dup)

Gene: MED25 (mediator complex subunit 25; plus strand). Cytogenetic location: 19q13.33.
Variant type: Duplication.
Coding change: c.1148_1165dup on transcript NM_030973.4 (MANE Select); coding-DNA positions 1148 to 1165, 18 bases duplicated (AGCTGGGAGCCCCAGCCC).
Protein change: p.Gln383_Ala388dup.
Molecular consequence: inframe insertion.
Genome position (GRCh38, 1-based): chr19:49,831,379-49,831,396, AGCTGGGAGCCCCAGCCC duplicated; duplicating any 18 consecutive bases within chr19:49,831,370-49,831,396 gives the same sequence; the c. name uses the placement nearest the transcript's 3' end. VCF-style (leftmost placement, unchanged base first): chr19-49831369-T-TCCCCAGCCCAGCTGGGAG. GRCh37 (hg19) VCF-style: chr19-50334626-T-TCCCCAGCCCAGCTGGGAG.
Other names: c.1148_1165dup, p.Gln383_Ala388dup (NM_001378355.1).
Identifiers: ClinVar variation 1303045 (VCV001303045.3), dbSNP rs765219800, ClinGen allele CA9585164.
Genomic context (GRCh38, chr19:49,831,369, plus strand): 5'-GCCCTCCTTCCTCCCCTCTGGCAGGCAGGCACTGTGGCCCCAGGAGGGGTGAGCGGCCCT[T>TCCCCAGCCCAGCTGGGAG]CCCCAGCCCAGCTGGGAGCCCCAGCCCTCGGTGGGCAGCAGTCAGTCTCCAATAAGCTTC-3'

ClinVar aggregate classification (germline): Uncertain significance. Review status: criteria provided, multiple submitters, no conflicts (2 of 4 stars). 2 submissions from 2 submitters: Uncertain significance (2). Last evaluated 2022-04-23.

Conditions:
Charcot-Marie-Tooth disease type 2. Also called: Charcot-Marie-Tooth type 2. Identifiers: Orphanet 64746, MedGen C0270914, MONDO:0018993.

Submissions (2):

Labcorp Genetics (formerly Invitae), Labcorp
Classification: Uncertain significance for Charcot-Marie-Tooth disease type 2. Last evaluated: 2022-04-23. Review status: criteria provided, single submitter. Criteria: Invitae Variant Classification Sherloc (09022015). Collection method: clinical testing. Allele origin: germline.
Comment: This variant, c.1148_1165dup, results in the insertion of 6 amino acid(s) of the MED25 protein (p.Gln383_Ala388dup), but otherwise preserves the integrity of the reading frame. This variant is present in population databases (rs765219800, gnomAD 0.03%). This variant has not been reported in the literature in individuals affected with MED25-related conditions. ClinVar contains an entry for this variant (Variation ID: 1303045). In summary, the available evidence is currently insufficient to determine the role of this variant in disease. Therefore, it has been classified as a Variant of Uncertain Significance.

GeneDx
Classification: Uncertain significance. Last evaluated: 2020-02-14. Review status: criteria provided, single submitter. Criteria: GeneDx Variant Classification Process June 2021. Collection method: clinical testing. Allele origin: germline. Affected: yes.
Comment: In-frame insertion of 6 amino acids in a non-repeat region